The following is an entry in ClinVar:

NM_001294.4(CLPTM1):c.1644C>T (p.Ala548=)

Gene: CLPTM1 (CLPTM1 regulator of GABA type A receptor forward trafficking; plus strand). Cytogenetic location: 19q13.32.
Variant type: single nucleotide variant.
Coding change: c.1644C>T on transcript NM_001294.4 (MANE Select); coding-DNA position 1644, C replaced by T.
Protein change: p.Ala548=; no amino-acid change (alanine 548 retained).
Molecular consequence: synonymous variant.
Genome position (GRCh38, 1-based): chr19:44,992,321, C>T. VCF-style: chr19-44992321-C-T. GRCh37 (hg19) VCF-style: chr19-45495579-C-T.
Other names: c.1602C>T, p.Ala534= (NM_001282175.2); c.1338C>T, p.Ala446= (NM_001282176.2).
Identifiers: ClinVar variation 3033092 (VCV003033092.2), dbSNP rs36101520, ClinGen allele CA9507236.

ClinVar aggregate classification (germline): Benign (0 of 4 stars; one submission).

Conditions:
CLPTM1-related disorder. Also called: CLPTM1-related condition.

Allele frequency attached by ClinVar (database versions not stated): ExAC 0.00156; 1000 Genomes Project 30x 0.00406; 1000 Genomes Project 0.00419; ESP Exome Variant Server 0.00515; gnomAD 0.00517; TOPMed 0.00567.
gnomAD v4.1: 1,768 of 1,614,130 alleles (0.11%); highest among the groups gnomAD compares: African/African-American, 1.8%; 13 homozygotes.

Submission:

PreventionGenetics, part of Exact Sciences
Classification: Benign for CLPTM1-related condition. Last evaluated: 2019-03-25. Review status: no assertion criteria provided. Collection method: clinical testing. Allele origin: germline.
Comment: This variant is classified as benign based on ACMG/AMP sequence variant interpretation guidelines (Richards et al. 2015 PMID: 25741868, with internal and published modifications).